The following is an entry in ClinVar:

NM_001042432.2(CLN3):c.-17G>A

Gene: CLN3 (CLN3 lysosomal/endosomal transmembrane protein, battenin; minus strand). Cytogenetic location: 16p12.1.
Variant type: single nucleotide variant.
Coding change: c.-17G>A on transcript NM_001042432.2 (MANE Select); 17 bases upstream of the start codon, G replaced by A.
Molecular consequence: 5 prime UTR variant.
Genome position (GRCh38, 1-based): chr16:28,491,776, C>T on the plus strand (G>A on the coding strand, the complement: CLN3 is on the minus strand). VCF-style: chr16-28491776-C-T. GRCh37 (hg19) VCF-style: chr16-28503097-C-T.
Other names: c.-17G>A (NM_000086.2, NM_001286104.2); c.-158G>A (NM_001286105.2); c.-100G>A (NM_001286109.2, NM_001286110.2).
Identifiers: ClinVar variation 512898 (VCV000512898.1), dbSNP rs770428655, ClinGen allele CA7981135.

ClinVar aggregate classification (germline): Likely benign (1 of 4 stars; one submission).

Allele frequency attached by ClinVar (database versions not stated): gnomAD exomes 0.00002; TOPMed 0.00004.
gnomAD v4.1: 13 of 1,613,302 alleles (0.00081%); highest among the groups gnomAD compares: Admixed American, 0.018%; no homozygotes.

Submission:

GeneDx
Classification: Likely benign. Last evaluated: 2017-10-25. Review status: criteria provided, single submitter. Criteria: GeneDx Variant Classification (06012015). Collection method: clinical testing. Allele origin: germline. Affected: yes.
Comment: This variant is considered likely benign or benign based on one or more of the following criteria: it is a conservative change, it occurs at a poorly conserved position in the protein, it is predicted to be benign by multiple in silico algorithms, and/or has population frequency not consistent with disease.